The following is an entry in ClinVar:

NM_013266.4(CTNNA3):c.1865G>A (p.Cys622Tyr)

Gene: CTNNA3 (catenin alpha 3; minus strand). Cytogenetic location: 10q21.3.
Variant type: single nucleotide variant.
Coding change: c.1865G>A on transcript NM_013266.4 (MANE Select); coding-DNA position 1865, G replaced by A.
Protein change: p.Cys622Tyr; replaces cysteine 622 with tyrosine.
Molecular consequence: missense variant.
Genome position (GRCh38, 1-based): chr10:66,280,489, C>T on the plus strand (G>A on the coding strand, the complement: CTNNA3 is on the minus strand). VCF-style: chr10-66280489-C-T. GRCh37 (hg19) VCF-style: chr10-68040247-C-T.
Other names: c.1865G>A, p.Cys622Tyr (NM_001127384.3); short protein forms C622Y.
Identifiers: ClinVar variation 240865 (VCV000240865.12), dbSNP rs367616357, ClinGen allele CA5519796.

ClinVar aggregate classification (germline): Uncertain significance. Review status: criteria provided, multiple submitters, no conflicts (2 of 4 stars). 2 submissions from 2 submitters: Uncertain significance (2). Last evaluated 2025-10-10.

Conditions:
Arrhythmogenic right ventricular dysplasia 13. Also called: ARRHYTHMOGENIC RIGHT VENTRICULAR CARDIOMYOPATHY 13; Arrhythmogenic right ventricular dysplasia, familial, 13. Identifiers: MedGen C3810138, MONDO:0000908, OMIM 615616.

Allele frequency attached by ClinVar (database versions not stated): gnomAD 0.00001; TOPMed 0.00002; gnomAD exomes 0.00004; ExAC 0.00005; ESP Exome Variant Server 0.00008.
gnomAD v4.1: 29 of 1,604,858 alleles (0.0018%); highest among the groups gnomAD compares: Non-Finnish European, 0.0025%; no homozygotes.

Submissions (2):

Labcorp Genetics (formerly Invitae), Labcorp
Classification: Uncertain significance for Arrhythmogenic right ventricular dysplasia 13. Last evaluated: 2025-10-10. Review status: criteria provided, single submitter. Criteria: Invitae Variant Classification Sherloc (09022015). Collection method: clinical testing. Allele origin: germline.
Comment: This sequence change replaces cysteine, which is neutral and slightly polar, with tyrosine, which is neutral and polar, at codon 622 of the CTNNA3 protein (p.Cys622Tyr). This variant is present in population databases (rs367616357, gnomAD 0.008%). This variant has not been reported in the literature in individuals affected with CTNNA3-related conditions. ClinVar contains an entry for this variant (Variation ID: 240865). Invitae Evidence Modeling of protein sequence and biophysical properties (such as structural, functional, and spatial information, amino acid conservation, physicochemical variation, residue mobility, and thermodynamic stability) indicates that this missense variant is not expected to disrupt CTNNA3 protein function with a negative predictive value of 80%. In summary, the available evidence is currently insufficient to determine the role of this variant in disease. Therefore, it has been classified as a Variant of Uncertain Significance.

Ambry Genetics
Classification: Uncertain significance. Last evaluated: 2025-05-06. Review status: criteria provided, single submitter. Criteria: Ambry Variant Classification Scheme 2023. Collection method: clinical testing. Allele origin: germline.
Comment: The p.C622Y variant (also known as c.1865G>A), located in coding exon 12 of the CTNNA3 gene, results from a G to A substitution at nucleotide position 1865. The cysteine at codon 622 is replaced by tyrosine, an amino acid with highly dissimilar properties. This amino acid position is conserved. In addition, the in silico prediction for this alteration is inconclusive. Since supporting evidence is limited at this time, the clinical significance of this alteration remains unclear.